The following is an entry in ClinVar:

ClinVar aggregate classification (germline): Uncertain significance (1 of 4 stars; one submission).

Allele frequency attached by ClinVar (database versions not stated): TOPMed below 0.00001.

Submission:

CeGaT Center for Human Genetics Tuebingen
Classification: Uncertain significance. Last evaluated: 2022-04-01. Review status: criteria provided, single submitter. Criteria: CeGaT Center For Human Genetics Tuebingen Variant Classification Criteria Version 2. Collection method: clinical testing. Allele origin: germline. Affected: yes. Observed: 1 variant allele.
Comment: MCM10: PM2, BP4

NM_018518.5(MCM10):c.2006G>T (p.Gly669Val)

Gene: MCM10 (minichromosome maintenance 10 replication initiation factor; plus strand). Cytogenetic location: 10p13.
Variant type: single nucleotide variant.
Coding change: c.2006G>T on transcript NM_018518.5 (MANE Select); coding-DNA position 2006, G replaced by T.
Protein change: p.Gly669Val; replaces glycine 669 with valine.
Molecular consequence: missense variant.
Genome position (GRCh38, 1-based): chr10:13,197,654, G>T. VCF-style: chr10-13197654-G-T. GRCh37 (hg19) VCF-style: chr10-13239654-G-T.
Other names: c.2009G>T, p.Gly670Val (NM_182751.3); short protein forms G669V, G670V.
Identifiers: ClinVar variation 2640314 (VCV002640314.24), dbSNP rs936163048, ClinGen allele CA203282452.